The following is an entry in ClinVar:

NM_000293.3(PHKB):c.1880+6T>C

Gene: PHKB (phosphorylase kinase regulatory subunit beta; plus strand). Cytogenetic location: 16q12.1.
Variant type: single nucleotide variant.
Coding change: c.1880+6T>C on transcript NM_000293.3 (MANE Select); 6 bases into the intron after coding-DNA position 1880, T replaced by C.
Molecular consequence: intron variant.
Genome position (GRCh38, 1-based): chr16:47,650,632, T>C. VCF-style: chr16-47650632-T-C. GRCh37 (hg19) VCF-style: chr16-47684543-T-C.
Other names: c.1880+6T>C (NM_001363837.1); c.1859+6T>C (NM_001031835.3).
Identifiers: ClinVar variation 2581003 (VCV002581003.1), dbSNP rs2506574042, ClinGen allele CA2575984393.

ClinVar aggregate classification (germline): Uncertain significance (1 of 4 stars; one submission).

Conditions:
Glycogen storage disease IXb (GSD9B). Also called: GLYCOGENOSIS OF LIVER AND MUSCLE, AUTOSOMAL RECESSIVE; GSD IXb; PHOSPHORYLASE KINASE DEFICIENCY OF LIVER AND MUSCLE, AUTOSOMAL RECESSIVE. Identifiers: Orphanet 79240, MedGen C0543514, MONDO:0009868, OMIM 261750.

Allele frequency attached by ClinVar (database versions not stated): gnomAD exomes below 0.00001.
gnomAD v4.1: 1 of 1,585,124 alleles (0.000063%); highest among the groups gnomAD compares: Non-Finnish European, 0.000087%; no homozygotes.

Submission:

Dr. med. U. Finckh, Human Genetics, Eurofins MVZ
Classification: Uncertain significance for Glycogen storage disease IXb. Last evaluated: 2019-10-03. Review status: criteria provided, single submitter. Criteria: ACMG Guidelines, 2015. Collection method: clinical testing. Allele origin: unknown.
Comment: Splice prediction primarily not suspicious. However, the probabilites for the natural donor slightly decrease, thus possibly strengthening the use of downstream competing cryptic splice donor sites.